The following is an entry in ClinVar:

NM_000744.7(CHRNA4):c.226G>A (p.Val76Met)

Gene: CHRNA4 (cholinergic receptor nicotinic alpha 4 subunit; minus strand). Cytogenetic location: 20q13.33.
Variant type: single nucleotide variant.
Coding change: c.226G>A on transcript NM_000744.7 (MANE Select); coding-DNA position 226, G replaced by A.
Protein change: p.Val76Met; replaces valine 76 with methionine.
Molecular consequence: missense variant. On other transcripts: 5 prime UTR variant (1), non-coding transcript variant (1).
Genome position (GRCh38, 1-based): chr20:63,359,550, C>T on the plus strand (G>A on the coding strand, the complement: CHRNA4 is on the minus strand). VCF-style: chr20-63359550-C-T. GRCh37 (hg19) VCF-style: chr20-61990902-C-T.
Other names: c.226G>A (NM_000744.5); c.-321G>A (NM_001256573.2); short protein forms V76M.
Identifiers: ClinVar variation 951914 (VCV000951914.6), dbSNP rs201115841, ClinGen allele CA9957940.

ClinVar aggregate classification (germline): Uncertain significance. Review status: criteria provided, multiple submitters, no conflicts (2 of 4 stars). 2 submissions from 2 submitters: Uncertain significance (2). Last evaluated 2023-11-27.

Conditions:
Familial sleep-related hypermotor epilepsy. Also called: Autosomal Dominant Sleep-Related Hypermotor (Hyperkinetic) Epilepsy. Identifiers: Orphanet 98784, MedGen C3696898, MONDO:0000030.

Allele frequency attached by ClinVar (database versions not stated): ExAC 0.00001; TOPMed 0.00002; gnomAD exomes 0.00001.

Submissions (2):

Labcorp Genetics (formerly Invitae), Labcorp
Classification: Uncertain significance. Last evaluated: 2023-11-27. Review status: criteria provided, single submitter. Criteria: Invitae Variant Classification Sherloc (09022015). Collection method: clinical testing. Allele origin: germline.
Comment: This sequence change replaces valine, which is neutral and non-polar, with methionine, which is neutral and non-polar, at codon 76 of the CHRNA4 protein (p.Val76Met). This variant is present in population databases (rs201115841, gnomAD 0.006%). This variant has not been reported in the literature in individuals affected with CHRNA4-related conditions. ClinVar contains an entry for this variant (Variation ID: 951914). An algorithm developed to predict the effect of missense changes on protein structure and function (PolyPhen-2) suggests that this variant is likely to be disruptive. In summary, the available evidence is currently insufficient to determine the role of this variant in disease. Therefore, it has been classified as a Variant of Uncertain Significance.

GeneDx
Classification: Uncertain significance. Last evaluated: 2023-09-11. Review status: criteria provided, single submitter. Criteria: GeneDx Variant Classification Process June 2021. Collection method: clinical testing. Allele origin: germline.
Comment: In silico analysis supports that this missense variant has a deleterious effect on protein structure/function; Has not been previously published as pathogenic or benign to our knowledge